The following is an entry in ClinVar:

ClinVar aggregate classification (germline): Uncertain significance. Review status: criteria provided, multiple submitters, no conflicts (2 of 4 stars). 4 submissions from 4 submitters: Uncertain significance (3). 1 of the submissions does not count toward it. Last evaluated 2025-12-05.

Conditions:
PDE6A-related disorder. Also called: PDE6A-related condition.
Retinal dystrophy. Also called: Inherited retinal dystrophy. Identifiers: Orphanet 71862, MedGen C0854723, MeSH D058499, MONDO:0019118, HP:0000556.

Allele frequency attached by ClinVar (database versions not stated): ExAC 0.00008; ESP Exome Variant Server 0.00008; gnomAD exomes 0.00008 and 0.00011; gnomAD 0.00013 and 0.00014; TOPMed 0.00017.
gnomAD v4.1: 174 of 1,602,008 alleles (0.011%); highest among the groups gnomAD compares: African/African-American, 0.024%; no homozygotes.

Submissions (4):

PreventionGenetics, part of Exact Sciences
Classification: Uncertain significance for PDE6A-related condition. Last evaluated: 2025-12-05. Review status: criteria provided, single submitter. Criteria: ACMG Guidelines, 2015. Collection method: clinical testing. Allele origin: germline.
Comment: The PDE6A c.998C>T variant is predicted to result in the amino acid substitution p.Pro333Leu. To our knowledge, this variant has not been reported in the literature. This variant is reported in 0.015% of alleles in individuals of European (Non-Finnish) descent in gnomAD. At this time, the clinical significance of this variant is uncertain due to the absence of conclusive functional and genetic evidence.

Labcorp Genetics (formerly Invitae), Labcorp
Classification: Uncertain significance. Last evaluated: 2025-01-15. Review status: criteria provided, single submitter. Criteria: Invitae Variant Classification Sherloc (09022015). Collection method: clinical testing. Allele origin: germline.
Comment: This sequence change replaces proline, which is neutral and non-polar, with leucine, which is neutral and non-polar, at codon 333 of the PDE6A protein (p.Pro333Leu). This variant is present in population databases (rs368428076, gnomAD 0.01%). This variant has not been reported in the literature in individuals affected with PDE6A-related conditions. ClinVar contains an entry for this variant (Variation ID: 937242). Invitae Evidence Modeling of protein sequence and biophysical properties (such as structural, functional, and spatial information, amino acid conservation, physicochemical variation, residue mobility, and thermodynamic stability) indicates that this missense variant is not expected to disrupt PDE6A protein function with a negative predictive value of 95%. In summary, the available evidence is currently insufficient to determine the role of this variant in disease. Therefore, it has been classified as a Variant of Uncertain Significance.

Blueprint Genetics
Classification: Uncertain significance. Last evaluated: 2024-11-11. Review status: criteria provided, single submitter. Criteria: ACMG Guidelines, 2015. Collection method: clinical testing. Allele origin: germline.

Institute of Human Genetics, Univ. Regensburg, Univ. Regensburg
Classification: Uncertain significance for Retinal dystrophy. Last evaluated: 2022-01-01. Review status: no assertion criteria provided. Criteria: ACMG Guidelines, 2015. Collection method: clinical testing. Allele origin: germline. Affected: yes. Not counted in ClinVar's aggregate classification.

NM_000440.3(PDE6A):c.998C>T (p.Pro333Leu)

Gene: PDE6A (phosphodiesterase 6A; minus strand). Cytogenetic location: 5q32.
Variant type: single nucleotide variant.
Coding change: c.998C>T on transcript NM_000440.3 (MANE Select); coding-DNA position 998, C replaced by T.
Protein change: p.Pro333Leu; replaces proline 333 with leucine.
Molecular consequence: missense variant.
Genome position (GRCh38, 1-based): chr5:149,914,943, G>A on the plus strand (C>T on the coding strand, the complement: PDE6A is on the minus strand). VCF-style: chr5-149914943-G-A. GRCh37 (hg19) VCF-style: chr5-149294506-G-A.
Other names: short protein forms P333L.
Identifiers: ClinVar variation 937242 (VCV000937242.9), dbSNP rs368428076, ClinGen allele CA3504846.
Genomic context (GRCh38, chr5:149,914,943, plus strand): 5'-GCCAATTGAGATCTTTAAGCTAATTTGTTGTCATTTTGTCTTTTGACAGGTGAAACTTAC[G>A]GGATGACTTTGATGTCCTCTTTGCCATGCAGGATGTAGTCAATGACCTTGTAAAAGTTAA-3'
Protein context (NP_000431.2, residues 323-343): LHGKEDIKVI[Pro333Leu]NPPPDHWALV